The following is an entry in ClinVar:

NM_000875.5(IGF1R):c.1930T>C (p.Tyr644His)

Gene: IGF1R (insulin like growth factor 1 receptor; plus strand). Cytogenetic location: 15q26.3.
Variant type: single nucleotide variant.
Coding change: c.1930T>C on transcript NM_000875.5 (MANE Select); coding-DNA position 1930, T replaced by C.
Protein change: p.Tyr644His; replaces tyrosine 644 with histidine.
Molecular consequence: missense variant.
Genome position (GRCh38, 1-based): chr15:98,916,065, T>C. VCF-style: chr15-98916065-T-C. GRCh37 (hg19) VCF-style: chr15-99459294-T-C.
Other names: c.1930T>C, p.Tyr644His (NM_001291858.2); short protein forms Y644H.
Identifiers: ClinVar variation 3767483 (VCV003767483.1).

ClinVar aggregate classification (germline): Uncertain significance (1 of 4 stars; one submission).

gnomAD v4.1: 1 of 1,614,240 alleles (0.000062%); highest among the groups gnomAD compares: Non-Finnish European, 0.000085%; no homozygotes.

Submission:

GeneDx
Classification: Uncertain significance. Last evaluated: 2024-09-06. Review status: criteria provided, single submitter. Criteria: GeneDx Variant Classification Process June 2021. Collection method: clinical testing. Allele origin: germline. Affected: yes.
Comment: Not observed at significant frequency in large population cohorts (gnomAD); In silico analysis supports that this missense variant has a deleterious effect on protein structure/function; Has not been previously published as pathogenic or benign to our knowledge